The following is an entry in ClinVar:

ClinVar aggregate classification (germline): Likely benign (1 of 4 stars; one submission).

gnomAD v4.1: 19 of 1,608,474 alleles (0.0012%); highest among the groups gnomAD compares: Non-Finnish European, 0.0016%; no homozygotes.

Submission:

CeGaT Center for Human Genetics Tuebingen
Classification: Likely benign. Last evaluated: 2022-03-01. Review status: criteria provided, single submitter. Criteria: CeGaT Center For Human Genetics Tuebingen Variant Classification Criteria Version 2. Collection method: clinical testing. Allele origin: germline. Affected: yes. Observed: 1 variant allele.
Comment: ABCA2: BP4, BP7

NM_001606.5(ABCA2):c.6852G>C (p.Thr2284=)

Gene: ABCA2 (ATP binding cassette subfamily A member 2; minus strand). Cytogenetic location: 9q34.3.
Variant type: single nucleotide variant.
Coding change: c.6852G>C on transcript NM_001606.5 (MANE Select); coding-DNA position 6852, G replaced by C.
Protein change: p.Thr2284=; no amino-acid change (threonine 2284 retained).
Molecular consequence: synonymous variant.
Genome position (GRCh38, 1-based): chr9:137,009,029, C>G on the plus strand (G>C on the coding strand, the complement: ABCA2 is on the minus strand). VCF-style: chr9-137009029-C-G. GRCh37 (hg19) VCF-style: chr9-139903481-C-G.
Other names: c.6849G>C, p.Thr2283= (NM_001411042.1); c.6942G>C, p.Thr2314= (NM_212533.3).
Identifiers: ClinVar variation 2659763 (VCV002659763.24), dbSNP rs200737069, ClinGen allele CA467843512.